The following is an entry in ClinVar:

ClinVar aggregate classification (germline): Uncertain significance. Review status: criteria provided, multiple submitters, no conflicts (2 of 4 stars). 2 submissions from 2 submitters: Uncertain significance (2). Last evaluated 2026-10-08.

Submissions (2):

GeneDx
Classification: Uncertain significance. Last evaluated: 2026-10-08. Review status: criteria provided, single submitter. Criteria: GeneDx Variant Classification Process June 2021. Collection method: clinical testing. Allele origin: germline.
Comment: Not observed at significant frequency in large population cohorts (gnomAD); In silico analysis suggests that this missense variant does not alter protein structure/function; Has not been previously published as pathogenic or benign to our knowledge

Labcorp Genetics (formerly Invitae), Labcorp
Classification: Uncertain significance. Last evaluated: 2023-11-03. Review status: criteria provided, single submitter. Criteria: Invitae Variant Classification Sherloc (09022015). Collection method: clinical testing. Allele origin: germline.
Comment: This sequence change replaces leucine, which is neutral and non-polar, with proline, which is neutral and non-polar, at codon 1214 of the TRAPPC9 protein (p.Leu1214Pro). This variant is not present in population databases (gnomAD no frequency). This variant has not been reported in the literature in individuals affected with TRAPPC9-related conditions. An algorithm developed to predict the effect of missense changes on protein structure and function (PolyPhen-2) suggests that this variant is likely to be disruptive. In summary, the available evidence is currently insufficient to determine the role of this variant in disease. Therefore, it has been classified as a Variant of Uncertain Significance.

NM_001160372.4(TRAPPC9):c.3347T>C (p.Leu1116Pro)

Gene: TRAPPC9 (trafficking protein particle complex subunit 9; minus strand). Cytogenetic location: 8q24.3.
Variant type: single nucleotide variant.
Coding change: c.3347T>C on transcript NM_001160372.4 (MANE Select); coding-DNA position 3347, T replaced by C.
Protein change: p.Leu1116Pro; replaces leucine 1116 with proline.
Molecular consequence: missense variant. On other transcripts: non-coding transcript variant (1).
Genome position (GRCh38, 1-based): chr8:139,731,161, A>G on the plus strand (T>C on the coding strand, the complement: TRAPPC9 is on the minus strand). VCF-style: chr8-139731161-A-G. GRCh37 (hg19) VCF-style: chr8-140743404-A-G.
Other names: c.3320T>C, p.Leu1107Pro (NM_001321646.2); c.3368T>C, p.Leu1123Pro (NM_001374682.1); c.3236T>C, p.Leu1079Pro (NM_001374683.1); c.3203T>C, p.Leu1068Pro (NM_001374684.1); c.3347T>C, p.Leu1116Pro (NM_031466.8); c.3641T>C (NM_031466.5); short protein forms L1068P, L1079P, L1107P, L1116P, L1123P.
Identifiers: ClinVar variation 2732015 (VCV002732015.5), dbSNP rs2488503960, ClinGen allele CA372732510.